The following is an entry in ClinVar:

ClinVar aggregate classification (germline): Conflicting classifications of pathogenicity. Review status: criteria provided, conflicting classifications (1 of 4 stars). 3 submissions from 3 submitters: Uncertain significance (2); Likely benign (1). Last evaluated 2025-11-02.

Conditions:
Hereditary cancer-predisposing syndrome. Also called: Neoplastic Syndromes, Hereditary; Hereditary Cancer Syndrome; Tumor predisposition; Hereditary neoplastic syndrome. Identifiers: Orphanet 140162, MedGen C0027672, MeSH D009386, MONDO:0015356.
Hereditary breast ovarian cancer syndrome. Also called: Hereditary breast and ovarian cancer syndrome; Hereditary breast and/or ovarian cancer syndrome; Hereditary breast and ovarian cancer syndrome (HBOC); Breast and ovarian cancer; BRCA1- and BRCA2-Associated Hereditary Breast and Ovarian Cancer; Hereditary breast and ovarian cancer. Identifiers: Orphanet 145, MedGen C0677776, MeSH D061325, MONDO:0003582. Disease mechanism: loss of function.

Submissions (3):

Ambry Genetics
Classification: Uncertain significance for Hereditary cancer-predisposing syndrome. Last evaluated: 2025-11-02. Review status: criteria provided, single submitter. Criteria: Ambry Variant Classification Scheme 2023. Collection method: clinical testing. Allele origin: germline.
Comment: The p.T1858K variant (also known as c.5573C>A), located in coding exon 10 of the BRCA2 gene, results from a C to A substitution at nucleotide position 5573. The threonine at codon 1858 is replaced by lysine, an amino acid with similar properties. This amino acid position is conserved. In addition, the in silico prediction for this alteration is inconclusive. Based on the available evidence, the clinical significance of this variant remains unclear.

Labcorp Genetics (formerly Invitae), Labcorp
Classification: Uncertain significance for Hereditary breast ovarian cancer syndrome. Last evaluated: 2024-11-22. Review status: criteria provided, single submitter. Criteria: Invitae Variant Classification Sherloc (09022015). Collection method: clinical testing. Allele origin: germline.
Comment: This sequence change replaces threonine, which is neutral and polar, with lysine, which is basic and polar, at codon 1858 of the BRCA2 protein (p.Thr1858Lys). This variant is not present in population databases (gnomAD no frequency). This variant has not been reported in the literature in individuals affected with BRCA2-related conditions. ClinVar contains an entry for this variant (Variation ID: 582620). Invitae Evidence Modeling of protein sequence and biophysical properties (such as structural, functional, and spatial information, amino acid conservation, physicochemical variation, residue mobility, and thermodynamic stability) indicates that this missense variant is not expected to disrupt BRCA2 protein function with a negative predictive value of 95%. In summary, the available evidence is currently insufficient to determine the role of this variant in disease. Therefore, it has been classified as a Variant of Uncertain Significance.

University of Washington Department of Laboratory Medicine, University of Washington
Classification: Likely benign for Hereditary cancer-predisposing syndrome. Last evaluated: 2023-03-23. Review status: criteria provided, single submitter. Criteria: Dines et al. (Genet Med. 2020). Collection method: curation. Allele origin: germline.
Comment: Missense variant in a coldspot region where missense variants are very unlikely to be pathogenic (PMID:31911673).

BRCA2 exon 11 coldspot. Reclassification based on statistical prior probability.

NM_000059.4(BRCA2):c.5573C>A (p.Thr1858Lys)

Gene: BRCA2 (BRCA2 DNA repair associated; plus strand). Cytogenetic location: 13q13.1.
Variant type: single nucleotide variant.
Coding change: c.5573C>A on transcript NM_000059.4 (MANE Select); coding-DNA position 5573, C replaced by A.
Protein change: p.Thr1858Lys; replaces threonine 1858 with lysine.
Molecular consequence: missense variant.
Genome position (GRCh38, 1-based): chr13:32,339,928, C>A. VCF-style: chr13-32339928-C-A. GRCh37 (hg19) VCF-style: chr13-32914065-C-A.
Other names: short protein forms T1858K.
Identifiers: ClinVar variation 582620 (VCV000582620.11), dbSNP rs1566232699, ClinGen allele CA387786000.
Genomic context (GRCh38, chr13:32,339,928, plus strand): 5'-AGGTAGGGCCACCTGCATTTAGGATAGCCAGTGGTAAAATCGTTTGTGTTTCACATGAAA[C>A]AATTAAAAAAGTGAAAGACATATTTACAGACAGTTTCAGTAAAGTAATTAAGGAAAACAA-3'
Protein context (NP_000050.3, residues 1848-1868): SGKIVCVSHE[Thr1858Lys]IKKVKDIFTD